The following is an entry in ClinVar:

ClinVar aggregate classification (germline): Benign (1 of 4 stars; one submission).

Conditions:
Congenital microvillous atrophy (DIAR2). Also called: DAVIDSON DISEASE; MICROVILLUS ATROPHY, CONGENITAL; Microvillus inclusion disease; Diarrhea 2 with microvillus atrophy, with or without cholestasis; CONGENITAL FAMILIAL PROTRACTED DIARRHEA WITH ENTEROCYTE BRUSH-BORDER ABNORMALITIES. Identifiers: Orphanet 2290, MedGen C0341306, MONDO:0009635, OMIM 251850.

Allele frequency attached by ClinVar (database versions not stated): gnomAD 0.00048 and 0.00082; TOPMed 0.00085; gnomAD exomes 0.00108; 1000 Genomes Project 30x 0.00468; 1000 Genomes Project 0.00519.
gnomAD v4.1: 216 of 237,356 alleles (0.091%); highest among the groups gnomAD compares: East Asian, 1.9%; 1 homozygote.

Submission:

Illumina Laboratory Services, Illumina
Classification: Benign for Congenital microvillous atrophy. Last evaluated: 2018-01-13. Review status: criteria provided, single submitter. Criteria: ICSL Variant Classification Criteria 13 December 2019. Collection method: clinical testing. Allele origin: germline.
Comment: This variant was observed in the ICSL laboratory as part of a predisposition screen in an ostensibly healthy population. It had not been previously curated by ICSL or reported in the Human Gene Mutation Database (HGMD: prior to June 1st, 2018), and was therefore a candidate for classification through an automated scoring system. Utilizing variant allele frequency, disease prevalence and penetrance estimates, and inheritance mode, an automated score was calculated to assess if this variant is too frequent to cause the disease. Based on the score and internal cut-off values, a variant classified as benign is not then subjected to further curation. The score for this variant resulted in a classification of benign for this disease.

NM_001080467.3(MYO5B):c.*400G>A

Genes: SNHG22 (small nucleolar RNA host gene 22; plus strand), MYO5B (myosin VB; minus strand). Cytogenetic location: 18q21.1.
Variant type: single nucleotide variant.
Coding change: c.*400G>A on transcript NM_001080467.3 (MANE Select); 400 bases downstream of the stop codon, G replaced by A.
Molecular consequence: 3 prime UTR variant.
Genome position (GRCh38, 1-based): chr18:49,826,071, C>T on the plus strand (G>A on the coding strand, the complement: MYO5B is on the minus strand). VCF-style: chr18-49826071-C-T. GRCh37 (hg19) VCF-style: chr18-47352441-C-T.
Identifiers: ClinVar variation 326986 (VCV000326986.5), dbSNP rs144380641, ClinGen allele CA10647712.